The following is an entry in ClinVar:

ClinVar aggregate classification (germline): Uncertain significance (1 of 4 stars; one submission).

Conditions:
Nephronophthisis 15 (NPHP15). Identifiers: Orphanet 3156, MedGen C3541853, MONDO:0013917, OMIM 614845.

Submission:

Labcorp Genetics (formerly Invitae), Labcorp
Classification: Uncertain significance for Nephronophthisis 15. Last evaluated: 2022-08-22. Review status: criteria provided, single submitter. Criteria: Invitae Variant Classification Sherloc (09022015). Collection method: clinical testing. Allele origin: germline.
Comment: In summary, the available evidence is currently insufficient to determine the role of this variant in disease. Therefore, it has been classified as a Variant of Uncertain Significance. Experimental studies and prediction algorithms are not available or were not evaluated, and the functional significance of this variant is currently unknown. This variant has not been reported in the literature in individuals affected with CEP164-related conditions. This variant is not present in population databases (gnomAD no frequency). This variant, c.1055_1057del, results in the deletion of 1 amino acid(s) of the CEP164 protein (p.Val352del), but otherwise preserves the integrity of the reading frame.

NM_014956.5(CEP164):c.1055_1057del (p.Val352del)

Gene: CEP164 (centrosomal protein 164; plus strand). Cytogenetic location: 11q23.3.
Variant type: Deletion.
Coding change: c.1055_1057del on transcript NM_014956.5 (MANE Select); coding-DNA positions 1055 to 1057, 3 bases deleted (TAG; older notation c.1055_1057delTAG).
Protein change: p.Val352del; deletes valine 352.
Molecular consequence: inframe deletion.
Genome position (GRCh38, 1-based): chr11:117,371,369-117,371,371, TAG deleted; deleting any 3 consecutive bases within chr11:117,371,367-117,371,371 gives the same sequence; the c. name uses the placement nearest the transcript's 3' end. VCF-style (leftmost placement, unchanged base first): chr11-117371366-CAGT-C. GRCh37 (hg19) VCF-style: chr11-117242082-CAGT-C.
Other names: c.1055_1057del, p.Val352del (NM_001271933.2); short protein forms V352del.
Identifiers: ClinVar variation 2110266 (VCV002110266.4), dbSNP rs2541196048, ClinGen allele CA2580083488.